The following is an entry in ClinVar:

ClinVar aggregate classification (germline): Likely pathogenic (1 of 4 stars; one submission).

Conditions:
Retinitis pigmentosa 14 (RP14). Also called: RETINITIS PIGMENTOSA, JUVENILE, TULP1-RELATED. Identifiers: Orphanet 791, MedGen C1838603, MONDO:0010827, OMIM 600132.

Submission:

Ocular Genomics Institute, Massachusetts Eye and Ear
Classification: Likely pathogenic for Retinitis pigmentosa 14. Last evaluated: 2021-04-08. Review status: criteria provided, single submitter. Criteria: ACMG Guidelines, 2015. Collection method: research. Allele origin: germline. Affected: yes.
Comment: Through a review of available evidence we were able to apply the following criteria: PVS1, PM2. Based on this evidence we have classified this variant as Likely Pathogenic.

NM_003322.6(TULP1):c.1553_1556dup (p.Tyr520fs)

Gene: TULP1 (TUB like protein 1; minus strand). Cytogenetic location: 6p21.31.
Variant type: Duplication.
Coding change: c.1553_1556dup on transcript NM_003322.6 (MANE Select); coding-DNA positions 1553 to 1556, 4 bases duplicated (ACCG; older notation c.1553_1556dupACCG).
Protein change: p.Tyr520fs; shifts the reading frame from tyrosine 520.
Molecular consequence: frameshift variant.
Genome position (GRCh38, 1-based): chr6:35,498,400-35,498,403, CGGT duplicated on the plus strand (ACCG on the coding strand, the reverse complement: TULP1 is on the minus strand). VCF-style (leftmost placement, unchanged base first): chr6-35498399-C-CCGGT. GRCh37 (hg19) VCF-style: chr6-35466176-C-CCGGT.
Other names: c.1394_1397dup, p.Tyr467fs (NM_001289395.2); short protein forms Y467fs, Y520fs.
Identifiers: ClinVar variation 1065757 (VCV001065757.1), dbSNP rs2150921584, ClinGen allele CA2499218239.
Genomic context (GRCh38, chr6:35,498,399, plus strand): 5'-CAGCTTCCCGTCGAAACTGGAGAGGGCGATGGCGAAGGCCTGCAGGGCGCACAGCGGGTA[C>CCGGT]CGGTAGTCTAGGGTGAAGGCGTCCTCCGCCACGCGGCCGAACTGCAGCACGATATAGTCG-3'